The following is an entry in ClinVar:

ClinVar aggregate classification (germline): Uncertain significance (1 of 4 stars; one submission).

Submission:

GeneDx
Classification: Uncertain significance. Last evaluated: 2025-01-27. Review status: criteria provided, single submitter. Criteria: GeneDx Variant Classification Process June 2021. Collection method: clinical testing. Allele origin: germline. Affected: yes.
Comment: Not observed at significant frequency in large population cohorts (gnomAD); In silico analysis supports that this missense variant has a deleterious effect on protein structure/function; Has not been previously published as pathogenic or benign to our knowledge

NM_001372044.2(SHANK3):c.3065C>T (p.Pro1022Leu)

Gene: SHANK3 (SH3 and multiple ankyrin repeat domains 3; plus strand). Cytogenetic location: 22q13.33.
Variant type: single nucleotide variant.
Coding change: c.3065C>T on transcript NM_001372044.2 (MANE Select); coding-DNA position 3065, C replaced by T.
Protein change: p.Pro1022Leu; replaces proline 1022 with leucine.
Molecular consequence: missense variant.
Genome position (GRCh38, 1-based): chr22:50,720,673, C>T. VCF-style: chr22-50720673-C-T. GRCh37 (hg19) VCF-style: chr22-51159101-C-T.
Other names: c.2840C>T (NM_033517.1); short protein forms P1022L.
Identifiers: ClinVar variation 4071732 (VCV004071732.1).